The following is an entry in ClinVar:

NM_199420.4(POLQ):c.6311A>G (p.His2104Arg)

Gene: POLQ (DNA polymerase theta; minus strand). Cytogenetic location: 3q13.33.
Variant type: single nucleotide variant.
Coding change: c.6311A>G on transcript NM_199420.4 (MANE Select); coding-DNA position 6311, A replaced by G.
Protein change: p.His2104Arg; replaces histidine 2104 with arginine.
Molecular consequence: missense variant.
Genome position (GRCh38, 1-based): chr3:121,476,634, T>C on the plus strand (A>G on the coding strand, the complement: POLQ is on the minus strand). VCF-style: chr3-121476634-T-C. GRCh37 (hg19) VCF-style: chr3-121195481-T-C.
Other names: short protein forms H2104R.
Identifiers: ClinVar variation 3422415 (VCV003422415.1).
Genomic context (GRCh38, chr3:121,476,634, plus strand): 5'-CTGTGGCCAGCTAGTTGATAGGCCTGGGTCTCAATTGCATCCAGCTTGGCTTGCATTATA[T>C]GTTTCTGACTTTCACATTCTGCAGTACTAAAGCCAATTCCATTTAGTTCTAGCAAGGCCA-3'
Protein context (NP_955452.3, residues 2094-2114): FSTAECESQK[His2104Arg]IMQAKLDAIE

ClinVar aggregate classification (germline): Uncertain significance (1 of 4 stars; one submission).

Submission:

Ambry Genetics
Classification: Uncertain significance. Last evaluated: 2024-10-31. Review status: criteria provided, single submitter. Criteria: Ambry Variant Classification Scheme 2023. Collection method: clinical testing. Allele origin: germline.
Comment: The p.H2104R variant (also known as c.6311A>G), located in coding exon 20 of the POLQ gene, results from an A to G substitution at nucleotide position 6311. The histidine at codon 2104 is replaced by arginine, an amino acid with highly similar properties. This amino acid position is conserved. In addition, this alteration is predicted to be tolerated by in silico analysis. Based on the available evidence, the clinical significance of this variant remains unclear.